The following is an entry in ClinVar:

ClinVar aggregate classification (germline): Likely benign. Review status: criteria provided, multiple submitters, no conflicts (2 of 4 stars). 3 submissions from 3 submitters: Likely benign (3). Last evaluated 2024-10-09.

Conditions:
Diffuse cerebral and cerebellar atrophy - intractable seizures - progressive microcephaly syndrome. Also called: Microcephaly, progressive, with seizures and cerebral and cerebellar atrophy. Identifiers: Orphanet 404437, MedGen C4014239, MONDO:0014335, OMIM 615760.

Allele frequency attached by ClinVar (database versions not stated): gnomAD exomes below 0.00001 and 0.00002; ExAC 0.00001; gnomAD 0.00001; TOPMed 0.00002.
gnomAD v4.1: 18 of 1,613,618 alleles (0.0011%); highest among the groups gnomAD compares: East Asian, 0.013%; no homozygotes.

Submissions (3):

Blueprint Genetics
Classification: Likely benign. Last evaluated: 2024-10-09. Review status: criteria provided, single submitter. Criteria: ACMG Guidelines, 2015. Collection method: clinical testing. Allele origin: germline.

Labcorp Genetics (formerly Invitae), Labcorp
Classification: Likely benign for Diffuse cerebral and cerebellar atrophy - intractable seizures - progressive microcephaly syndrome. Last evaluated: 2024-09-23. Review status: criteria provided, single submitter. Criteria: Invitae Variant Classification Sherloc (09022015). Collection method: clinical testing. Allele origin: germline.

GeneDx
Classification: Likely benign. Last evaluated: 2016-05-11. Review status: criteria provided, single submitter. Criteria: GeneDx Variant Classification (06012015). Collection method: clinical testing. Allele origin: germline. Affected: yes.
Comment: This variant is considered likely benign or benign based on one or more of the following criteria: it is a conservative change, it occurs at a poorly conserved position in the protein, it is predicted to be benign by multiple in silico algorithms, and/or has population frequency not consistent with disease.

NM_005051.3(QARS1):c.516+13C>A

Gene: QARS1 (glutaminyl-tRNA synthetase 1; minus strand). Cytogenetic location: 3p21.31.
Variant type: single nucleotide variant.
Coding change: c.516+13C>A on transcript NM_005051.3 (MANE Select); 13 bases into the intron after coding-DNA position 516, C replaced by A.
Molecular consequence: intron variant.
Genome position (GRCh38, 1-based): chr3:49,103,332, G>T on the plus strand (C>A on the coding strand, the complement: QARS1 is on the minus strand). VCF-style: chr3-49103332-G-T. GRCh37 (hg19) VCF-style: chr3-49140765-G-T.
Other names: c.483+13C>A (NM_001272073.2).
Identifiers: ClinVar variation 386185 (VCV000386185.6), dbSNP rs754227489, ClinGen allele CA2392136.
Genomic context (GRCh38, chr3:49,103,332, plus strand): 5'-TATCCCTTAGTGGATTCCAGGCTCTGTTCATGCCAGAGTCTTTGCCAGCTTCAGCTTAGT[G>T]AAGCACGCTCACCTGCATGTCCACTTCATTCTTGATCATTTTGCCATCTGCCCACTTCAG-3'